The following is an entry in ClinVar:

ClinVar aggregate classification (germline): Uncertain significance (1 of 4 stars; one submission).

Submission:

Labcorp Genetics (formerly Invitae), Labcorp
Classification: Uncertain significance. Last evaluated: 2024-09-06. Review status: criteria provided, single submitter. Criteria: Invitae Variant Classification Sherloc (09022015). Collection method: clinical testing. Allele origin: germline.
Comment: This sequence change replaces serine, which is neutral and polar, with cysteine, which is neutral and slightly polar, at codon 1016 of the MPDZ protein (p.Ser1016Cys). This variant is not present in population databases (gnomAD no frequency). This variant has not been reported in the literature in individuals affected with MPDZ-related conditions. An algorithm developed to predict the effect of missense changes on protein structure and function (PolyPhen-2) suggests that this variant is likely to be tolerated. In summary, the available evidence is currently insufficient to determine the role of this variant in disease. Therefore, it has been classified as a Variant of Uncertain Significance.

NM_001378778.1(MPDZ):c.3047C>G (p.Ser1016Cys)

Gene: MPDZ (multiple PDZ domain crumbs cell polarity complex component; minus strand). Cytogenetic location: 9p23.
Variant type: single nucleotide variant.
Coding change: c.3047C>G on transcript NM_001378778.1 (MANE Select); coding-DNA position 3047, C replaced by G.
Protein change: p.Ser1016Cys; replaces serine 1016 with cysteine.
Molecular consequence: missense variant.
Genome position (GRCh38, 1-based): chr9:13,175,760, G>C on the plus strand (C>G on the coding strand, the complement: MPDZ is on the minus strand). VCF-style: chr9-13175760-G-C. GRCh37 (hg19) VCF-style: chr9-13175759-G-C.
Other names: c.3047C>G, p.Ser1016Cys (NM_001261406.2, NM_001261407.2, NM_001330637.2 and 14 more transcripts); short protein forms S1016C.
Identifiers: ClinVar variation 3689730 (VCV003689730.2).